The following is an entry in ClinVar:

ClinVar aggregate classification (germline): Likely benign. Review status: criteria provided, multiple submitters, no conflicts (2 of 4 stars). 5 submissions from 5 submitters: Likely benign (5). Last evaluated 2025-01-30.

Conditions:
Hereditary cancer-predisposing syndrome. Also called: Tumor predisposition; Hereditary Cancer Syndrome; Hereditary neoplastic syndrome; Neoplastic Syndromes, Hereditary. Identifiers: Orphanet 140162, MedGen C0027672, MeSH D009386, MONDO:0015356.
Hereditary breast ovarian cancer syndrome. Also called: Breast and ovarian cancer; BRCA1- and BRCA2-Associated Hereditary Breast and Ovarian Cancer; Hereditary breast and ovarian cancer; Hereditary breast and ovarian cancer syndrome (HBOC); Hereditary breast and ovarian cancer syndrome; Hereditary breast and/or ovarian cancer syndrome. Identifiers: Orphanet 145, MedGen C0677776, MeSH D061325, MONDO:0003582. Disease mechanism: loss of function.

Allele frequency attached by ClinVar (database versions not stated): gnomAD exomes below 0.00001.

Submissions (5):

Labcorp Genetics (formerly Invitae), Labcorp
Classification: Likely benign for Hereditary breast ovarian cancer syndrome. Last evaluated: 2025-01-30. Review status: criteria provided, single submitter. Criteria: Invitae Variant Classification Sherloc (09022015). Collection method: clinical testing. Allele origin: germline.

Blueprint Genetics
Classification: Likely benign. Last evaluated: 2023-07-18. Review status: criteria provided, single submitter. Criteria: ACMG Guidelines, 2015. Collection method: clinical testing. Allele origin: germline.

Color Diagnostics, LLC DBA Color Health
Classification: Likely benign for Hereditary cancer-predisposing syndrome. Last evaluated: 2018-08-07. Review status: criteria provided, single submitter. Criteria: ACMG Guidelines, 2015. Collection method: clinical testing. Allele origin: germline.

GeneDx
Classification: Likely benign. Last evaluated: 2017-04-25. Review status: criteria provided, single submitter. Criteria: GeneDx Variant Classification (06012015). Collection method: clinical testing. Allele origin: germline. Affected: yes.
Comment: This variant is considered likely benign or benign based on one or more of the following criteria: it is a conservative change, it occurs at a poorly conserved position in the protein, it is predicted to be benign by multiple in silico algorithms, and/or has population frequency not consistent with disease.

Ambry Genetics
Classification: Likely benign for Hereditary cancer-predisposing syndrome. Last evaluated: 2016-11-15. Review status: criteria provided, single submitter. Criteria: Ambry Variant Classification Scheme 2023. Collection method: clinical testing. Allele origin: germline.

NM_007294.4(BRCA1):c.3726T>C (p.Thr1242=)

Genes: BRCA1 (BRCA1 DNA repair associated; minus strand), LOC126862571 (BRD4-independent group 4 enhancer GRCh37_chr17:41243136-41244335; plus strand). Cytogenetic location: 17q21.31.
Variant type: single nucleotide variant.
Coding change: c.3726T>C on transcript NM_007294.4 (MANE Select); coding-DNA position 3726, T replaced by C.
Protein change: p.Thr1242=; no amino-acid change (threonine 1242 retained).
Molecular consequence: synonymous variant. On other transcripts: intron variant (135).
Genome position (GRCh38, 1-based): chr17:43,091,805, A>G on the plus strand (T>C on the coding strand, the complement: BRCA1 is on the minus strand). VCF-style: chr17-43091805-A-G. GRCh37 (hg19) VCF-style: chr17-41243822-A-G.
Other names: c.3513T>C, p.Thr1171= (NM_001407571.1, NM_001407853.1, NM_001407894.1 and 9 more transcripts); c.3726T>C, p.Thr1242= (NM_001407581.1, NM_001407582.1, NM_001407583.1 and 30 more transcripts); c.3723T>C, p.Thr1241= (NM_001407587.1, NM_001407590.1, NM_001407591.1 and 22 more transcripts); c.3717T>C, p.Thr1239= (NM_001407646.1, NM_001407647.1); c.3603T>C, p.Thr1201= (NM_001407648.1, NM_001407664.1, NM_001407665.1 and 19 more transcripts); c.3600T>C, p.Thr1200= (NM_001407649.1, NM_001407670.1, NM_001407671.1 and 11 more transcripts); c.3648T>C, p.Thr1216= (NM_001407653.1, NM_001407654.1, NM_001407655.1 and 4 more transcripts); c.3645T>C, p.Thr1215= (NM_001407659.1, NM_001407660.1, NM_001407661.1 and 1 more transcripts); and 41 more.
Identifiers: ClinVar variation 415570 (VCV000415570.19), dbSNP rs1060504567, ClinGen allele CA16615770.